The following is an entry in ClinVar:

NM_020975.6(RET):c.1360G>T (p.Val454Leu)

Gene: RET (ret proto-oncogene; plus strand). Cytogenetic location: 10q11.21.
Variant type: single nucleotide variant.
Coding change: c.1360G>T on transcript NM_020975.6 (MANE Select); coding-DNA position 1360, G replaced by T.
Protein change: p.Val454Leu; replaces valine 454 with leucine.
Molecular consequence: missense variant. On other transcripts: intron variant (15).
Genome position (GRCh38, 1-based): chr10:43,111,303, G>T. VCF-style: chr10-43111303-G-T. GRCh37 (hg19) VCF-style: chr10-43606751-G-T.
Other names: c.1360G>T, p.Val454Leu (NM_001406765.1, NM_001406743.1, NM_001406744.1 and 4 more transcripts); c.1072G>T, p.Val358Leu (NM_001406766.1, NM_001406767.1, NM_001406770.1); c.1231G>T, p.Val411Leu (NM_001406768.1, NM_001406761.1, NM_001406762.1 and 1 more transcripts); c.964G>T, p.Val322Leu (NM_001406769.1, NM_001406772.1); c.922G>T, p.Val308Leu (NM_001406771.1, NM_001406773.1); c.835G>T, p.Val279Leu (NM_001406774.1); c.626-796G>T (NM_001406782.1, NM_001406780.1, NM_001406779.1 and 3 more transcripts); c.497-796G>T (NM_001406786.1, NM_001406783.1); and 5 more; short protein forms V200L, V308L, V322L, V358L, V454L, V124L, V212L, V279L.
Identifiers: ClinVar variation 3944689 (VCV003944689.1).

ClinVar aggregate classification (germline): Uncertain significance (1 of 4 stars; one submission).

Conditions:
Hereditary cancer-predisposing syndrome. Also called: Tumor predisposition; Hereditary neoplastic syndrome; Hereditary Cancer Syndrome; Neoplastic Syndromes, Hereditary. Identifiers: Orphanet 140162, MedGen C0027672, MeSH D009386, MONDO:0015356.

Submission:

Ambry Genetics
Classification: Uncertain significance for Hereditary cancer-predisposing syndrome. Last evaluated: 2025-04-14. Review status: criteria provided, single submitter. Criteria: Ambry Variant Classification Scheme 2023. Collection method: clinical testing. Allele origin: germline.
Comment: The p.V454L variant (also known as c.1360G>T), located in coding exon 7 of the RET gene, results from a G to T substitution at nucleotide position 1360. The valine at codon 454 is replaced by leucine, an amino acid with highly similar properties. This amino acid position is conserved. In addition, this alteration is predicted to be tolerated by in silico analysis. Based on the available evidence, the clinical significance of this variant remains unclear.